The following is an entry in ClinVar:

ClinVar aggregate classification (germline): Likely benign (0 of 4 stars; one submission).

Conditions:
COL6A2-related disorder.

Submission:

PreventionGenetics, part of Exact Sciences
Classification: Likely benign for COL6A2-related condition. Last evaluated: 2020-04-27. Review status: no assertion criteria provided. Collection method: clinical testing. Allele origin: germline.
Comment: This variant is classified as likely benign based on ACMG/AMP sequence variant interpretation guidelines (Richards et al. 2015 PMID: 25741868, with internal and published modifications).

NM_001849.4(COL6A2):c.2462-2441G>C

Gene: COL6A2 (collagen type VI alpha 2 chain; plus strand). Cytogenetic location: 21q22.3.
Variant type: single nucleotide variant.
Coding change: c.2462-2441G>C on transcript NM_001849.4 (MANE Select); 2441 bases into the intron before coding-DNA position 2462, G replaced by C.
Molecular consequence: intron variant. On other transcripts: 3 prime UTR variant (2).
Genome position (GRCh38, 1-based): chr21:46,129,513, G>C. VCF-style: chr21-46129513-G-C. GRCh37 (hg19) VCF-style: chr21-47549427-G-C.
Other names: c.*22G>C (NM_058174.3); c.*585G>C (NM_058175.3).
Identifiers: ClinVar variation 3035398 (VCV003035398.2), dbSNP rs746682557, ClinGen allele CA2577630250.
Genomic context (GRCh38, chr21:46,129,513, plus strand): 5'-ATCGTGGGGGACCCCGAGACCGCGCTGGCCCTCTGCTAAAGCCCGGGCACCCGCCCAGCC[G>C]GGCTGGGCCCTCCCTGCCACACTAGCTTCCCAGGGCTGCCCCCGACAGGCTGGCTCTCAG-3'